The following is an entry in ClinVar:

ClinVar aggregate classification (germline): Uncertain significance. Review status: criteria provided, multiple submitters, no conflicts (2 of 4 stars). 2 submissions from 2 submitters: Uncertain significance (2). Last evaluated 2025-05-04.

Conditions:
Inborn genetic diseases. Identifiers: MedGen C0950123, MeSH D030342.

Allele frequency attached by ClinVar (database versions not stated): ExAC 0.00012; gnomAD exomes 0.00016 and 0.00012; gnomAD 0.00004 and 0.00005; TOPMed 0.00008; ESP Exome Variant Server 0.00015.
gnomAD v4.1: 246 of 1,614,060 alleles (0.015%); highest among the groups gnomAD compares: Non-Finnish European, 0.02%; 1 homozygote.

Submissions (2):

Ambry Genetics
Classification: Uncertain significance for Inborn genetic diseases. Last evaluated: 2025-05-04. Review status: criteria provided, single submitter. Criteria: Ambry Variant Classification Scheme 2023. Collection method: clinical testing. Allele origin: germline.

Labcorp Genetics (formerly Invitae), Labcorp
Classification: Uncertain significance. Last evaluated: 2022-09-29. Review status: criteria provided, single submitter. Criteria: Invitae Variant Classification Sherloc (09022015). Collection method: clinical testing. Allele origin: germline.
Comment: This sequence change replaces isoleucine, which is neutral and non-polar, with threonine, which is neutral and polar, at codon 372 of the HPS4 protein (p.Ile372Thr). This variant is present in population databases (rs372828090, gnomAD 0.02%). This variant has not been reported in the literature in individuals affected with HPS4-related conditions. ClinVar contains an entry for this variant (Variation ID: 1491655). Algorithms developed to predict the effect of missense changes on protein structure and function are either unavailable or do not agree on the potential impact of this missense change (SIFT: "Deleterious"; PolyPhen-2: "Possibly Damaging"; Align-GVGD: "Class C0"). In summary, the available evidence is currently insufficient to determine the role of this variant in disease. Therefore, it has been classified as a Variant of Uncertain Significance.

NM_022081.6(HPS4):c.1115T>C (p.Ile372Thr)

Gene: HPS4 (HPS4 biogenesis of lysosomal organelles complex 3 subunit 2; minus strand). Cytogenetic location: 22q12.1.
Variant type: single nucleotide variant.
Coding change: c.1115T>C on transcript NM_022081.6 (MANE Select); coding-DNA position 1115, T replaced by C.
Protein change: p.Ile372Thr; replaces isoleucine 372 with threonine.
Molecular consequence: missense variant. On other transcripts: non-coding transcript variant (8).
Genome position (GRCh38, 1-based): chr22:26,464,515, A>G on the plus strand (T>C on the coding strand, the complement: HPS4 is on the minus strand). VCF-style: chr22-26464515-A-G. GRCh37 (hg19) VCF-style: chr22-26860481-A-G.
Other names: c.1115T>C, p.Ile372Thr (NM_001349896.1, NM_001349898.2, NM_001349899.2 and 4 more transcripts); c.1169T>C, p.Ile390Thr (NM_001349900.2, NM_001349901.1); c.1100T>C, p.Ile367Thr (NM_152841.2); c.1115T>C (NM_022081.4); short protein forms I372T, I367T, I390T.
Identifiers: ClinVar variation 1491655 (VCV001491655.4), dbSNP rs372828090, ClinGen allele CA10163400.